The following is an entry in ClinVar:

ClinVar aggregate classification (germline): Pathogenic (1 of 4 stars; one submission).

Submission:

GeneDx
Classification: Pathogenic. Last evaluated: 2026-02-01. Review status: criteria provided, single submitter. Criteria: GeneDx Variant Classification Process June 2021. Collection method: clinical testing. Allele origin: germline.
Comment: Nonsense variant predicted to result in protein truncation or nonsense mediated decay in a gene for which loss of function is a known mechanism of disease; Has not been previously published as pathogenic or benign to our knowledge; Not observed at significant frequency in large population cohorts (gnomAD)

NM_001039469.3(MARK2):c.1324G>T (p.Glu442Ter)

Gene: MARK2 (microtubule affinity regulating kinase 2; plus strand). Cytogenetic location: 11q13.1.
Variant type: single nucleotide variant.
Coding change: c.1324G>T on transcript NM_001039469.3 (MANE Select); coding-DNA position 1324, G replaced by T.
Protein change: p.Glu442Ter; replaces glutamic acid 442 with a stop codon.
Molecular consequence: nonsense.
Genome position (GRCh38, 1-based): chr11:63,902,690, G>T. VCF-style: chr11-63902690-G-T. GRCh37 (hg19) VCF-style: chr11-63670162-G-T.
Other names: c.1324G>T, p.Glu442Ter (NM_001163296.2); c.1321G>T, p.Glu441Ter (NM_001163297.2, NM_004954.5); c.1222G>T, p.Glu408Ter (NM_017490.4); short protein forms E408*, E441*, E442*.
Identifiers: ClinVar variation 4975091 (VCV004975091.1).